The following is an entry in ClinVar:

NM_024967.3(ZNF556):c.1059G>A (p.Ala353=)

Gene: ZNF556 (zinc finger protein 556; plus strand). Cytogenetic location: 19p13.3.
Variant type: single nucleotide variant.
Coding change: c.1059G>A on transcript NM_024967.3 (MANE Select); coding-DNA position 1059, G replaced by A.
Protein change: p.Ala353=; no amino-acid change (alanine 353 retained).
Molecular consequence: synonymous variant. On other transcripts: non-coding transcript variant (1).
Genome position (GRCh38, 1-based): chr19:2,878,017, G>A. VCF-style: chr19-2878017-G-A. GRCh37 (hg19) VCF-style: chr19-2878015-G-A.
Other names: c.1056G>A, p.Ala352= (NM_001300843.2).
Identifiers: ClinVar variation 2648978 (VCV002648978.24), dbSNP rs143860844, ClinGen allele CA9071430.

ClinVar aggregate classification (germline): Likely benign (1 of 4 stars; one submission).

Allele frequency attached by ClinVar (database versions not stated): 1000 Genomes Project 30x 0.00062; 1000 Genomes Project 0.00080; gnomAD 0.00145; TOPMed 0.00155; ExAC 0.00157; ESP Exome Variant Server 0.00269.
gnomAD v4.1: 4,656 of 1,614,070 alleles (0.29%); highest among the groups gnomAD compares: Non-Finnish European, 0.37%; 7 homozygotes.

Submission:

CeGaT Center for Human Genetics Tuebingen
Classification: Likely benign. Last evaluated: 2022-09-01. Review status: criteria provided, single submitter. Criteria: CeGaT Center For Human Genetics Tuebingen Variant Classification Criteria Version 2. Collection method: clinical testing. Allele origin: germline. Affected: yes. Observed: 1 variant allele.
Comment: ZNF556: BP4, BP7